The following is an entry in ClinVar:

ClinVar aggregate classification (germline): Likely benign (1 of 4 stars; one submission).

Allele frequency attached by ClinVar (database versions not stated): gnomAD exomes below 0.00001.

Submission:

CeGaT Center for Human Genetics Tuebingen
Classification: Likely benign. Last evaluated: 2023-03-01. Review status: criteria provided, single submitter. Criteria: CeGaT Center For Human Genetics Tuebingen Variant Classification Criteria Version 2. Collection method: clinical testing. Allele origin: germline. Affected: yes. Observed: 1 variant allele.
Comment: DSPP: BP4, BP7

NM_014208.3(DSPP):c.1980C>T (p.Ser660=)

Genes: DMP1-AS1 (DMP1 and DSPP antisense RNA 1; minus strand), DSPP (dentin sialophosphoprotein; plus strand). Cytogenetic location: 4q22.1.
Variant type: single nucleotide variant.
Coding change: c.1980C>T on transcript NM_014208.3 (MANE Select); coding-DNA position 1980, C replaced by T.
Protein change: p.Ser660=; no amino-acid change (serine 660 retained).
Molecular consequence: synonymous variant.
Genome position (GRCh38, 1-based): chr4:87,614,642, C>T. VCF-style: chr4-87614642-C-T. GRCh37 (hg19) VCF-style: chr4-88535794-C-T.
Identifiers: ClinVar variation 2654894 (VCV002654894.24), dbSNP rs1333377718, ClinGen allele CA440294830.
Genomic context (GRCh38, chr4:87,614,642, plus strand): 5'-AGACAGCAGTGACAGCAACAGCAGTGACAGTAGTGACAACAGTGATAGCAGCGACAGCAG[C>T]AATAGCAGTAACAGCAGTGATAGTAGTGACAGCAGTGATAGCAGTGACAGCAGCAGTAGC-3'
Protein context (NP_055023.2, residues 650-670): SSDNSDSSDS[Ser660=]NSSNSSDSSD